The following is an entry in ClinVar:

NM_007194.4(CHEK2):c.1079A>T (p.Glu360Val)

Gene: CHEK2 (checkpoint kinase 2; minus strand). Cytogenetic location: 22q12.1.
Variant type: single nucleotide variant.
Coding change: c.1079A>T on transcript NM_007194.4 (MANE Select); coding-DNA position 1079, A replaced by T.
Protein change: p.Glu360Val; replaces glutamic acid 360 with valine.
Molecular consequence: missense variant. On other transcripts: intron variant (3).
Genome position (GRCh38, 1-based): chr22:28,696,917, T>A on the plus strand (A>T on the coding strand, the complement: CHEK2 is on the minus strand). VCF-style: chr22-28696917-T-A. GRCh37 (hg19) VCF-style: chr22-29092905-T-A.
Other names: c.1208A>T, p.Glu403Val (NM_001005735.3); c.416A>T, p.Glu139Val (NM_001257387.3, NM_001437942.1); c.878A>T, p.Glu293Val (NM_001349956.3); c.1172A>T, p.Glu391Val (NM_001438293.1); c.1009-1044A>T (NM_145862.3); c.1102-1044A>T (NM_001438295.1); c.1138-1044A>T (NM_001438294.1); short protein forms E293V, E403V, E139V, E360V, E391V.
Identifiers: ClinVar variation 864117 (VCV000864117.11), dbSNP rs2052606933, ClinGen allele CA411097519.

ClinVar aggregate classification (germline): Uncertain significance (1 of 4 stars; one submission).

Conditions:
Familial cancer of breast. Also called: Hereditary breast cancer; BREAST CANCER, FAMILIAL; hereditary breast carcinoma. Identifiers: Orphanet 227535, MedGen C0346153, MONDO:0016419, OMIM 114480. Disease mechanism: loss of function.

Submission:

Labcorp Genetics (formerly Invitae), Labcorp
Classification: Uncertain significance for Familial cancer of breast. Last evaluated: 2019-12-23. Review status: criteria provided, single submitter. Criteria: Invitae Variant Classification Sherloc (09022015). Collection method: clinical testing. Allele origin: germline.
Comment: In summary, the available evidence is currently insufficient to determine the role of this variant in disease. Therefore, it has been classified as a Variant of Uncertain Significance. Algorithms developed to predict the effect of missense changes on protein structure and function are either unavailable or do not agree on the potential impact of this missense change (SIFT: "Deleterious"; PolyPhen-2: "Benign"; Align-GVGD: "Class C0"). This variant has not been reported in the literature in individuals with CHEK2-related conditions. This variant is not present in population databases (ExAC no frequency). This sequence change replaces glutamic acid with valine at codon 360 of the CHEK2 protein (p.Glu360Val). The glutamic acid residue is highly conserved and there is a moderate physicochemical difference between glutamic acid and valine.